The following is an entry in ClinVar:

NM_000051.4(ATM):c.8251A>G (p.Thr2751Ala)

Genes: ATM (ATM serine/threonine kinase; plus strand), C11orf65 (chromosome 11 open reading frame 65; minus strand). Cytogenetic location: 11q22.3.
Variant type: single nucleotide variant.
Coding change: c.8251A>G on transcript NM_000051.4 (MANE Select); coding-DNA position 8251, A replaced by G.
Protein change: p.Thr2751Ala; replaces threonine 2751 with alanine.
Molecular consequence: missense variant. On other transcripts: intron variant (2).
Genome position (GRCh38, 1-based): chr11:108,335,944, A>G. VCF-style: chr11-108335944-A-G. GRCh37 (hg19) VCF-style: chr11-108206671-A-G.
Other names: c.8251A>G, p.Thr2751Ala (NM_001351834.2); c.641-26873T>C (NM_001330368.2); c.695-652T>C (NM_001351110.2); short protein forms T2751A.
Identifiers: ClinVar variation 981100 (VCV000981100.7), dbSNP rs2086799919, ClinGen allele CA382562668.

ClinVar aggregate classification (germline): Uncertain significance. Review status: criteria provided, multiple submitters, no conflicts (2 of 4 stars). 3 submissions from 3 submitters: Uncertain significance (3). Last evaluated 2025-10-23.

Conditions:
Hereditary cancer-predisposing syndrome. Also called: Tumor predisposition; Neoplastic Syndromes, Hereditary; Hereditary neoplastic syndrome; Hereditary Cancer Syndrome. Identifiers: Orphanet 140162, MedGen C0027672, MeSH D009386, MONDO:0015356.
Ataxia-telangiectasia syndrome (AT). Also called: Ataxia-telangiectasia, complementation group D; AT, COMPLEMENTATION GROUP C; ATAXIA-TELANGIECTASIA, COMPLEMENTATION GROUP A; ATAXIA-TELANGIECTASIA, FRESNO VARIANT; Ataxia-telangiectasia; Ataxia telangiectasia (A-T). Identifiers: Orphanet 100, MedGen C0004135, MONDO:0008840, OMIM 208900.

Allele frequency attached by ClinVar (database versions not stated): gnomAD exomes below 0.00001.
gnomAD v4.1: 6 of 1,609,648 alleles (0.00037%); highest among the groups gnomAD compares: Non-Finnish European, 0.00051%; no homozygotes.

Submissions (3):

Ambry Genetics
Classification: Uncertain significance for Hereditary cancer-predisposing syndrome. Last evaluated: 2025-10-23. Review status: criteria provided, single submitter. Criteria: Ambry Variant Classification Scheme 2023. Collection method: clinical testing. Allele origin: germline.
Comment: The p.T2751A variant (also known as c.8251A>G), located in coding exon 55 of the ATM gene, results from an A to G substitution at nucleotide position 8251. The threonine at codon 2751 is replaced by alanine, an amino acid with similar properties. This amino acid position is conserved. In addition, this alteration is predicted to be tolerated by in silico analysis. Based on the available evidence, the clinical significance of this variant remains unclear.

Labcorp Genetics (formerly Invitae), Labcorp
Classification: Uncertain significance for Ataxia-telangiectasia syndrome. Last evaluated: 2024-07-11. Review status: criteria provided, single submitter. Criteria: Invitae Variant Classification Sherloc (09022015). Collection method: clinical testing. Allele origin: germline.
Comment: This sequence change replaces threonine, which is neutral and polar, with alanine, which is neutral and non-polar, at codon 2751 of the ATM protein (p.Thr2751Ala). This variant is not present in population databases (gnomAD no frequency). This variant has not been reported in the literature in individuals affected with ATM-related conditions. ClinVar contains an entry for this variant (Variation ID: 981100). An algorithm developed to predict the effect of missense changes on protein structure and function (PolyPhen-2) suggests that this variant is likely to be tolerated. In summary, the available evidence is currently insufficient to determine the role of this variant in disease. Therefore, it has been classified as a Variant of Uncertain Significance.

Women's Health and Genetics/Laboratory Corporation of America, LabCorp
Classification: Uncertain significance. Last evaluated: 2020-09-29. Review status: criteria provided, single submitter. Criteria: LabCorp Variant Classification Summary - May 2015. Collection method: clinical testing. Allele origin: germline.
Comment: Variant summary: ATM c.8251A>G (p.Thr2751Ala) results in a non-conservative amino acid change located in the Phosphatidylinositol 3-/4-kinase, catalytic domain (IPR000403) of the encoded protein sequence. Three of five in-silico tools predict a damaging effect of the variant on protein function. The variant was absent in 250992 control chromosomes. The available data on variant occurrences in the general population are insufficient to allow any conclusion about variant significance. To our knowledge, no occurrence of c.8251A>G in individuals affected with Ataxia-Telangiectasia and no experimental evidence demonstrating its impact on protein function have been reported. No clinical diagnostic laboratories have submitted clinical-significance assessments for this variant to ClinVar after 2014. Based on the evidence outlined above, the variant was classified as uncertain significance.